The following is an entry in ClinVar:

NM_000081.4(LYST):c.9811A>T (p.Thr3271Ser)

Gene: LYST (lysosomal trafficking regulator; minus strand). Cytogenetic location: 1q42.3.
Variant type: single nucleotide variant.
Coding change: c.9811A>T on transcript NM_000081.4 (MANE Select); coding-DNA position 9811, A replaced by T.
Protein change: p.Thr3271Ser; replaces threonine 3271 with serine.
Molecular consequence: missense variant.
Genome position (GRCh38, 1-based): chr1:235,712,171, T>A on the plus strand (A>T on the coding strand, the complement: LYST is on the minus strand). VCF-style: chr1-235712171-T-A. GRCh37 (hg19) VCF-style: chr1-235875471-T-A.
Other names: p.Thr3271Ser; c.9811A>T, p.Thr3271Ser (NM_001301365.1); short protein forms T3271S.
Identifiers: ClinVar variation 651281 (VCV000651281.5), dbSNP rs1012424598, ClinGen allele CA39597042.

ClinVar aggregate classification (germline): Uncertain significance. Review status: criteria provided, multiple submitters, no conflicts (2 of 4 stars). 2 submissions from 2 submitters: Uncertain significance (2). Last evaluated 2025-12-06.

Conditions:
Chédiak-Higashi syndrome (CHS). Also called: Chediak-Higashi Syndrome. Identifiers: Orphanet 167, MedGen C0007965, MONDO:0008963, OMIM 214500.

Allele frequency attached by ClinVar (database versions not stated): gnomAD exomes 0.00001; gnomAD 0.00003; TOPMed 0.00003.
gnomAD v4.1: 15 of 1,585,188 alleles (0.00095%); highest among the groups gnomAD compares: African/African-American, 0.0027%; no homozygotes.

Submissions (2):

Labcorp Genetics (formerly Invitae), Labcorp
Classification: Uncertain significance for Chédiak-Higashi syndrome. Last evaluated: 2025-12-06. Review status: criteria provided, single submitter. Criteria: Invitae Variant Classification Sherloc (09022015). Collection method: clinical testing. Allele origin: germline.
Comment: This sequence change replaces threonine, which is neutral and polar, with serine, which is neutral and polar, at codon 3271 of the LYST protein (p.Thr3271Ser). This variant is present in population databases (no rsID available, gnomAD 0.01%). This variant has not been reported in the literature in individuals affected with LYST-related conditions. ClinVar contains an entry for this variant (Variation ID: 651281). Invitae Evidence Modeling of protein sequence and biophysical properties (such as structural, functional, and spatial information, amino acid conservation, physicochemical variation, residue mobility, and thermodynamic stability) has been performed for this missense variant. However, the output from this modeling did not meet the statistical confidence thresholds required to predict the impact of this variant on LYST protein function. In summary, the available evidence is currently insufficient to determine the role of this variant in disease. Therefore, it has been classified as a Variant of Uncertain Significance.

Mayo Clinic Laboratories, Mayo Clinic
Classification: Uncertain significance. Last evaluated: 2025-01-30. Review status: criteria provided, single submitter. Criteria: ACMG Guidelines, 2015. Collection method: clinical testing. Allele origin: germline. Observed: 1 variant allele.